The following is an entry in ClinVar:

NM_004186.5(SEMA3F):c.510G>A (p.Thr170=)

Gene: SEMA3F (semaphorin 3F; plus strand). Cytogenetic location: 3p21.31.
Variant type: single nucleotide variant.
Coding change: c.510G>A on transcript NM_004186.5 (MANE Select); coding-DNA position 510, G replaced by A.
Protein change: p.Thr170=; no amino-acid change (threonine 170 retained).
Molecular consequence: synonymous variant. On other transcripts: intron variant (2).
Genome position (GRCh38, 1-based): chr3:50,175,149, G>A. VCF-style: chr3-50175149-G-A. GRCh37 (hg19) VCF-style: chr3-50212582-G-A.
Other names: c.252+799G>A (NM_001318798.2); c.456+799G>A (NM_001318800.2).
Identifiers: ClinVar variation 3036266 (VCV003036266.2), dbSNP rs758504768, ClinGen allele CA2411799.

ClinVar aggregate classification (germline): Likely benign (0 of 4 stars; one submission).

Conditions:
SEMA3F-related disorder. Also called: SEMA3F-related condition.

Allele frequency attached by ClinVar (database versions not stated): gnomAD 0.00001; gnomAD exomes 0.00003; TOPMed 0.00004.
gnomAD v4.1: 41 of 1,607,772 alleles (0.0026%); highest among the groups gnomAD compares: Non-Finnish European, 0.0033%; no homozygotes.

Submission:

PreventionGenetics, part of Exact Sciences
Classification: Likely benign for SEMA3F-related condition. Last evaluated: 2023-12-30. Review status: no assertion criteria provided. Collection method: clinical testing. Allele origin: germline.
Comment: This variant is classified as likely benign based on ACMG/AMP sequence variant interpretation guidelines (Richards et al. 2015 PMID: 25741868, with internal and published modifications).